The following is an entry in ClinVar:

NM_006206.6(PDGFRA):c.2290C>T (p.Arg764Cys)

Gene: PDGFRA (platelet derived growth factor receptor alpha; plus strand). Cytogenetic location: 4q12.
Variant type: single nucleotide variant.
Coding change: c.2290C>T on transcript NM_006206.6 (MANE Select); coding-DNA position 2290, C replaced by T.
Protein change: p.Arg764Cys; replaces arginine 764 with cysteine.
Molecular consequence: missense variant.
Genome position (GRCh38, 1-based): chr4:54,280,449, C>T. VCF-style: chr4-54280449-C-T. GRCh37 (hg19) VCF-style: chr4-55146616-C-T.
Other names: c.2290C>T, p.Arg764Cys (NM_001347827.2, NM_001347829.2); c.2365C>T, p.Arg789Cys (NM_001347828.2); c.2329C>T, p.Arg777Cys (NM_001347830.2); short protein forms R764C, R789C, R777C.
Identifiers: ClinVar variation 528493 (VCV000528493.16), dbSNP rs34392012, ClinGen allele CA96863173.
Genomic context (GRCh38, chr4:54,280,449, plus strand): 5'-CCCATGCTAGAAAGGAAAGAGGTTTCTAAATATTCCGACATCCAGAGATCACTCTATGAT[C>T]GTCCAGCCTCATATAAGAAGAAATCTATGTTAGGTAAAAGTGTCTATACTCACTCTGGGT-3'
Protein context (NP_006197.1, residues 754-774): YSDIQRSLYD[Arg764Cys]PASYKKKSML

ClinVar aggregate classification (germline): Uncertain significance. Review status: criteria provided, multiple submitters, no conflicts (2 of 4 stars). 2 submissions from 2 submitters: Uncertain significance (2). Last evaluated 2025-06-08.

Conditions:
Hereditary cancer-predisposing syndrome. Also called: Tumor predisposition; Hereditary neoplastic syndrome; Hereditary Cancer Syndrome; Neoplastic Syndromes, Hereditary. Identifiers: Orphanet 140162, MedGen C0027672, MeSH D009386, MONDO:0015356.
Gastrointestinal stromal tumor. Also called: Gastrointestinal stroma tumor; Gastrointestinal stromal tumor, somatic. Identifiers: Orphanet 44890, MedGen C0238198, MeSH D046152, MONDO:0011719, OMIM 606764, HP:0100723.

Allele frequency attached by ClinVar (database versions not stated): gnomAD 0.00001; TOPMed 0.00005.

Submissions (2):

Ambry Genetics
Classification: Uncertain significance for Hereditary cancer-predisposing syndrome. Last evaluated: 2025-06-08. Review status: criteria provided, single submitter. Criteria: Ambry Variant Classification Scheme 2023. Collection method: clinical testing. Allele origin: germline.
Comment: The p.R764C variant (also known as c.2290C>T), located in coding exon 15 of the PDGFRA gene, results from a C to T substitution at nucleotide position 2290. The arginine at codon 764 is replaced by cysteine, an amino acid with highly dissimilar properties. This amino acid position is well conserved in available vertebrate species. In addition, the in silico prediction for this alteration is inconclusive. Since supporting evidence is limited at this time, the clinical significance of this alteration remains unclear.

Labcorp Genetics (formerly Invitae), Labcorp
Classification: Uncertain significance for Gastrointestinal stromal tumor. Last evaluated: 2024-11-13. Review status: criteria provided, single submitter. Criteria: Invitae Variant Classification Sherloc (09022015). Collection method: clinical testing. Allele origin: germline.
Comment: This sequence change replaces arginine, which is basic and polar, with cysteine, which is neutral and slightly polar, at codon 764 of the PDGFRA protein (p.Arg764Cys). This variant is not present in population databases (gnomAD no frequency). This variant has not been reported in the literature in individuals affected with PDGFRA-related conditions. ClinVar contains an entry for this variant (Variation ID: 528493). Invitae Evidence Modeling of protein sequence and biophysical properties (such as structural, functional, and spatial information, amino acid conservation, physicochemical variation, residue mobility, and thermodynamic stability) indicates that this missense variant is not expected to disrupt PDGFRA protein function with a negative predictive value of 80%. Experimental studies have shown that this missense change does not substantially affect PDGFRA function (PMID: 30389923). Algorithms developed to predict the effect of sequence changes on RNA splicing suggest that this variant may disrupt the consensus splice site. In summary, the available evidence is currently insufficient to determine the role of this variant in disease. Therefore, it has been classified as a Variant of Uncertain Significance.

Literature cited by the submitters: PubMed 30389923 (cited by Labcorp Genetics (formerly Invitae), Labcorp).